The following is an entry in ClinVar:

NM_054021.2(GPR101):c.531G>C (p.Glu177Asp)

Gene: GPR101 (G protein-coupled receptor 101; minus strand). Cytogenetic location: Xq26.3.
Variant type: single nucleotide variant.
Coding change: c.531G>C on transcript NM_054021.2 (MANE Select); coding-DNA position 531, G replaced by C.
Protein change: p.Glu177Asp; replaces glutamic acid 177 with aspartic acid.
Molecular consequence: missense variant.
Genome position (GRCh38, 1-based): chrX:137,031,144, C>G on the plus strand (G>C on the coding strand, the complement: GPR101 is on the minus strand). VCF-style: chrX-137031144-C-G. GRCh37 (hg19) VCF-style: chrX-136113303-C-G.
Other names: short protein forms E177D.
Identifiers: ClinVar variation 1927070 (VCV001927070.5), dbSNP rs762819910, ClinGen allele CA414767813.

ClinVar aggregate classification (germline): Uncertain significance (1 of 4 stars; one submission).

Allele frequency attached by ClinVar (database versions not stated): TOPMed 0.00001.

Submission:

Labcorp Genetics (formerly Invitae), Labcorp
Classification: Uncertain significance. Last evaluated: 2022-06-18. Review status: criteria provided, single submitter. Criteria: Invitae Variant Classification Sherloc (09022015). Collection method: clinical testing. Allele origin: germline.
Comment: This variant has not been reported in the literature in individuals affected with GPR101-related conditions. The frequency data for this variant in the population databases is considered unreliable, as metrics indicate poor data quality at this position in the gnomAD database. This sequence change replaces glutamic acid, which is acidic and polar, with aspartic acid, which is acidic and polar, at codon 177 of the GPR101 protein (p.Glu177Asp). In summary, the available evidence is currently insufficient to determine the role of this variant in disease. Therefore, it has been classified as a Variant of Uncertain Significance. Algorithms developed to predict the effect of missense changes on protein structure and function output the following: SIFT: "Tolerated"; PolyPhen-2: "Benign"; Align-GVGD: "Class C0". The aspartic acid amino acid residue is found in multiple mammalian species, which suggests that this missense change does not adversely affect protein function.